The following is an entry in ClinVar:

ClinVar aggregate classification (germline): Pathogenic (1 of 4 stars; one submission).

Conditions:
Desmin-related myofibrillar myopathy (MFM1). Also called: Desminopathy; Desmin related myopathy (former name); Desmin storage myopathy (former name); MYOFIBRILLAR MYOPATHY WITH ARRHYTHMOGENIC RIGHT VENTRICULAR CARDIOMYOPATHY; DESMIN-RELATED MYOPATHY WITH ARRHYTHMOGENIC RIGHT VENTRICULAR CARDIOMYOPATHY; Myofibrillar myopathy 1. Identifiers: Orphanet 363543, Orphanet 98909, MedGen C1832370, MONDO:0011076, OMIM 601419.

Submission:

Labcorp Genetics (formerly Invitae), Labcorp
Classification: Pathogenic for Desmin-related myofibrillar myopathy. Last evaluated: 2020-03-06. Review status: criteria provided, single submitter. Criteria: Invitae Variant Classification Sherloc (09022015). Collection method: clinical testing. Allele origin: germline.
Comment: For these reasons, this variant has been classified as Pathogenic. Loss-of-function variants in DES are known to be pathogenic (PMID: 23575897). This variant has not been reported in the literature in individuals with DES-related conditions. This variant is not present in population databases (ExAC no frequency). This sequence change creates a premature translational stop signal (p.Val151Alafs*18) in the DES gene. It is expected to result in an absent or disrupted protein product.

Literature cited by the submitters: PubMed 23575897.

NM_001927.4(DES):c.452_459del (p.Val151fs)

Gene: DES (desmin; plus strand). Cytogenetic location: 2q35.
Variant type: Deletion.
Coding change: c.452_459del on transcript NM_001927.4 (MANE Select); coding-DNA positions 452 to 459, 8 bases deleted (TGGCCGAG; older notation c.452_459delTGGCCGAG).
Protein change: p.Val151fs; shifts the reading frame from valine 151.
Molecular consequence: frameshift variant.
Genome position (GRCh38, 1-based): chr2:219,418,914-219,418,921, TGGCCGAG deleted; deleting any 8 consecutive bases within chr2:219,418,910-219,418,921 gives the same sequence; the c. name uses the placement nearest the transcript's 3' end. VCF-style (leftmost placement, unchanged base first): chr2-219418909-GCGAGTGGC-G. GRCh37 (hg19) VCF-style: chr2-220283631-GCGAGTGGC-G.
Other names: c.452_459del, p.Val151fs (NM_001382708.1, NM_001382709.1, NM_001382710.1 and 3 more transcripts); short protein forms V151fs.
Identifiers: ClinVar variation 1075297 (VCV001075297.7), dbSNP rs2125166454, ClinGen allele CA2499215677.
Genomic context (GRCh38, chr2:219,418,909, plus strand): 5'-GGAGCAGCAGAACGCGGCGCTCGCCGCCGAAGTGAACCGGCTCAAGGGCCGCGAGCCGAC[GCGAGTGGC>G]CGAGCTCTACGAGGAGGAGCTGCGGGAGCTGCGGCGCCAGGTGGAGGTGCTCACTAACCA-3'